The following is an entry in ClinVar:

ClinVar aggregate classification (germline): Uncertain significance (1 of 4 stars; one submission).

Conditions:
Epilepsy. Also called: Seizure disorder. Identifiers: MedGen C0014544, MeSH D004827, MONDO:0005027.

Allele frequency attached by ClinVar (database versions not stated): TOPMed 0.00001; gnomAD exomes 0.00003 and 0.00001; gnomAD 0.00001; ExAC 0.00008.
gnomAD v4.1: 22 of 1,606,520 alleles (0.0014%); highest among the groups gnomAD compares: South Asian, 0.015%; 1 homozygote.

Submission:

Labcorp Genetics (formerly Invitae), Labcorp
Classification: Uncertain significance for Epilepsy. Last evaluated: 2022-07-17. Review status: criteria provided, single submitter. Criteria: Invitae Variant Classification Sherloc (09022015). Collection method: clinical testing. Allele origin: germline.
Comment: This variant has not been reported in the literature in individuals affected with PIGQ-related conditions. In summary, the available evidence is currently insufficient to determine the role of this variant in disease. Therefore, it has been classified as a Variant of Uncertain Significance. Algorithms developed to predict the effect of missense changes on protein structure and function are either unavailable or do not agree on the potential impact of this missense change (SIFT: "Deleterious"; PolyPhen-2: "Possibly Damaging"; Align-GVGD: "Class C0"). ClinVar contains an entry for this variant (Variation ID: 1006304). This variant is present in population databases (rs774564687, gnomAD 0.02%). This sequence change replaces arginine, which is basic and polar, with tryptophan, which is neutral and slightly polar, at codon 70 of the PIGQ protein (p.Arg70Trp).

NM_004204.5(PIGQ):c.208C>T (p.Arg70Trp)

Gene: PIGQ (phosphatidylinositol glycan anchor biosynthesis class Q; plus strand). Cytogenetic location: 16p13.3.
Variant type: single nucleotide variant.
Coding change: c.208C>T on transcript NM_004204.5 (MANE Select); coding-DNA position 208, C replaced by T.
Protein change: p.Arg70Trp; replaces arginine 70 with tryptophan.
Molecular consequence: missense variant.
Genome position (GRCh38, 1-based): chr16:574,282, C>T. VCF-style: chr16-574282-C-T. GRCh37 (hg19) VCF-style: chr16-624282-C-T.
Other names: c.208C>T, p.Arg70Trp (NM_148920.4); short protein forms R70W.
Identifiers: ClinVar variation 1006304 (VCV001006304.6), dbSNP rs774564687, ClinGen allele CA7779806.